The following is an entry in ClinVar:

NM_001291303.3(FAT4):c.1358A>T (p.Gln453Leu)

Gene: FAT4 (FAT atypical cadherin 4; plus strand). Cytogenetic location: 4q28.1.
Variant type: single nucleotide variant.
Coding change: c.1358A>T on transcript NM_001291303.3 (MANE Select); coding-DNA position 1358, A replaced by T.
Protein change: p.Gln453Leu; replaces glutamine 453 with leucine.
Molecular consequence: missense variant.
Genome position (GRCh38, 1-based): chr4:125,317,769, A>T. VCF-style: chr4-125317769-A-T. GRCh37 (hg19) VCF-style: chr4-126238924-A-T.
Other names: c.1358A>T, p.Gln453Leu (NM_001291285.3, NM_024582.6); short protein forms Q453L.
Identifiers: ClinVar variation 380812 (VCV000380812.19), dbSNP rs6847454, ClinGen allele CA3071971.

ClinVar aggregate classification (germline): Benign. Review status: criteria provided, multiple submitters, no conflicts (2 of 4 stars). 10 submissions from 9 submitters: Benign (8). 2 of the submissions do not count toward it. Last evaluated 2026-02-04.

Conditions:
Van Maldergem syndrome 2 (VMLDS2). Identifiers: Orphanet 314679, MedGen C3809875, MONDO:0014242, OMIM 615546.
Hennekam lymphangiectasia-lymphedema syndrome 2 (HKLLS2). Identifiers: Orphanet 2136, MedGen C4014939, MONDO:0014454, OMIM 616006.

Allele frequency attached by ClinVar (database versions not stated): 1000 Genomes Project 0.42632; 1000 Genomes Project 30x 0.43488; TOPMed 0.46358; ESP Exome Variant Server 0.46557.
gnomAD v4.1: 707,540 of 1,613,882 alleles (44%); highest among the groups gnomAD compares: African/African-American, 57%; 157,747 homozygotes.

Submissions (10):

Labcorp Genetics (formerly Invitae), Labcorp
Classification: Benign. Last evaluated: 2026-02-04. Review status: criteria provided, single submitter. Criteria: Invitae Variant Classification Sherloc (09022015). Collection method: clinical testing. Allele origin: germline.

Blueprint Genetics
Classification: Benign. Last evaluated: 2024-11-26. Review status: criteria provided, single submitter. Criteria: ACMG Guidelines, 2015. Collection method: clinical testing. Allele origin: germline.

Unidad de Genómica Garrahan, Hospital de Pediatría Garrahan
Classification: Benign. Last evaluated: 2024-01-24. Review status: criteria provided, single submitter. Criteria: ACMG Guidelines, 2015. Collection method: clinical testing. Allele origin: germline. Affected: no. Observed: 63 variant alleles.
Comment: This variant is classified as Benign based on local population frequency. This variant was detected in 66% of patients studied by a panel of primary immunodeficiencies. Number of patients: 63. Only high quality variants are reported.

Genome-Nilou Lab
Classification: Benign for Hennekam lymphangiectasia-lymphedema syndrome 2. Last evaluated: 2021-08-10. Review status: criteria provided, single submitter. Criteria: ACMG Guidelines, 2015. Collection method: clinical testing. Allele origin: germline. Affected: no.

Genome-Nilou Lab
Classification: Benign for Van Maldergem syndrome 2. Last evaluated: 2021-08-10. Review status: criteria provided, single submitter. Criteria: ACMG Guidelines, 2015. Collection method: clinical testing. Allele origin: germline. Affected: no.

Laboratory for Molecular Medicine, Mass General Brigham Personalized Medicine
Classification: Benign. Last evaluated: 2016-03-29. Review status: criteria provided, single submitter. Criteria: LMM Criteria. Collection method: clinical testing. Allele origin: germline.
Comment: Variant identified in a genome or exome case(s) and assessed due to predicted null impact of the variant or pathogenic assertions in the literature or databases. Disclaimer: This variant has not undergone full assessment. The following are preliminary notes: 42% of total chromosomes in ExAC

GeneDx
Classification: Benign. Last evaluated: 2016-01-11. Review status: criteria provided, single submitter. Criteria: GeneDx Variant Classification (06012015). Collection method: clinical testing. Allele origin: germline. Affected: yes.
Comment: This variant is considered likely benign or benign based on one or more of the following criteria: it is a conservative change, it occurs at a poorly conserved position in the protein, it is predicted to be benign by multiple in silico algorithms, and/or has population frequency not consistent with disease.

Breakthrough Genomics
Classification: Benign. Review status: criteria provided, single submitter. Criteria: ACMG Guidelines, 2015. Collection method: not provided. Allele origin: germline. Inheritance: Autosomal recessive inheritance. Affected: yes.

Clinical Genetics DNA and cytogenetics Diagnostics Lab, Erasmus MC, Erasmus Medical Center
Classification: Benign. Review status: no assertion criteria provided. Collection method: clinical testing. Allele origin: germline. Affected: yes. Study: VKGL Data-share Consensus. Not counted in ClinVar's aggregate classification.

Clinical Genetics, Academic Medical Center
Classification: Benign. Review status: no assertion criteria provided. Collection method: clinical testing. Allele origin: germline. Affected: yes. Study: VKGL Data-share Consensus. Not counted in ClinVar's aggregate classification.